The following is an entry in ClinVar:

NM_144670.6(A2ML1):c.3223T>C (p.Cys1075Arg)

Gene: A2ML1 (alpha-2-macroglobulin like 1; plus strand). Cytogenetic location: 12p13.31.
Variant type: single nucleotide variant.
Coding change: c.3223T>C on transcript NM_144670.6 (MANE Select); coding-DNA position 3223, T replaced by C.
Protein change: p.Cys1075Arg; replaces cysteine 1075 with arginine.
Molecular consequence: missense variant.
Genome position (GRCh38, 1-based): chr12:8,858,061, T>C. VCF-style: chr12-8858061-T-C. GRCh37 (hg19) VCF-style: chr12-9010657-T-C.
Other names: c.1750T>C, p.Cys584Arg (NM_001282424.3); short protein forms C1075R, C584R.
Identifiers: ClinVar variation 2971384 (VCV002971384.3), dbSNP rs759419807, ClinGen allele CA232696366.

ClinVar aggregate classification (germline): Uncertain significance (1 of 4 stars; one submission).

Allele frequency attached by ClinVar (database versions not stated): gnomAD exomes 0.00001.
gnomAD v4.1: 11 of 1,614,158 alleles (0.00068%); highest among the groups gnomAD compares: Non-Finnish European, 0.00093%; no homozygotes.

Submission:

Labcorp Genetics (formerly Invitae), Labcorp
Classification: Uncertain significance. Last evaluated: 2022-12-08. Review status: criteria provided, single submitter. Criteria: Invitae Variant Classification Sherloc (09022015). Collection method: clinical testing. Allele origin: germline.
Comment: This variant is not present in population databases (gnomAD no frequency). This sequence change replaces cysteine, which is neutral and slightly polar, with arginine, which is basic and polar, at codon 1075 of the A2ML1 protein (p.Cys1075Arg). This variant has not been reported in the literature in individuals affected with A2ML1-related conditions. Algorithms developed to predict the effect of missense changes on protein structure and function are either unavailable or do not agree on the potential impact of this missense change (SIFT: "Deleterious"; PolyPhen-2: "Probably Damaging"; Align-GVGD: "Class C0"). In summary, the available evidence is currently insufficient to determine the role of this variant in disease. Therefore, it has been classified as a Variant of Uncertain Significance.